The following is an entry in ClinVar:

ClinVar aggregate classification (germline): Conflicting classifications of pathogenicity. Review status: criteria provided, conflicting classifications (1 of 4 stars). 2 submissions from 2 submitters: Uncertain significance (1); Likely benign (1). Last evaluated 2025-03-08.

Conditions:
Inborn genetic diseases. Identifiers: MedGen C0950123, MeSH D030342.

Allele frequency attached by ClinVar (database versions not stated): gnomAD exomes below 0.00001.
gnomAD v4.1: 1 of 1,613,630 alleles (0.000062%); highest among the groups gnomAD compares: Non-Finnish European, 0.000085%; no homozygotes.

Submissions (2):

Ambry Genetics
Classification: Likely benign for Inborn genetic diseases. Last evaluated: 2025-03-08. Review status: criteria provided, single submitter. Criteria: Ambry Variant Classification Scheme 2023. Collection method: clinical testing. Allele origin: germline.

Labcorp Genetics (formerly Invitae), Labcorp
Classification: Uncertain significance. Last evaluated: 2023-08-04. Review status: criteria provided, single submitter. Criteria: Invitae Variant Classification Sherloc (09022015). Collection method: clinical testing. Allele origin: germline.
Comment: In summary, the available evidence is currently insufficient to determine the role of this variant in disease. Therefore, it has been classified as a Variant of Uncertain Significance. Algorithms developed to predict the effect of sequence changes on RNA splicing suggest that this variant may disrupt the consensus splice site. This variant has not been reported in the literature in individuals affected with ANKRD26-related conditions. This variant is not present in population databases (gnomAD no frequency). This sequence change affects codon 188 of the ANKRD26 mRNA. It is a 'silent' change, meaning that it does not change the encoded amino acid sequence of the ANKRD26 protein.

NM_014915.3(ANKRD26):c.564T>C (p.Ser188=)

Gene: ANKRD26 (ankyrin repeat domain 26; minus strand). Cytogenetic location: 10p12.1.
Variant type: single nucleotide variant.
Coding change: c.564T>C on transcript NM_014915.3 (MANE Select); coding-DNA position 564, T replaced by C.
Protein change: p.Ser188=; no amino-acid change (serine 188 retained).
Molecular consequence: synonymous variant.
Genome position (GRCh38, 1-based): chr10:27,092,480, A>G on the plus strand (T>C on the coding strand, the complement: ANKRD26 is on the minus strand). VCF-style: chr10-27092480-A-G. GRCh37 (hg19) VCF-style: chr10-27381409-A-G.
Other names: c.564T>C, p.Ser188= (NM_001256053.2).
Identifiers: ClinVar variation 2728022 (VCV002728022.4), dbSNP rs1564435102, ClinGen allele CA468490208.